The following is an entry in ClinVar:

NM_005732.4(RAD50):c.2604T>G (p.Asn868Lys)

Gene: RAD50 (RAD50 double strand break repair protein; plus strand). Cytogenetic location: 5q31.1.
Variant type: single nucleotide variant.
Coding change: c.2604T>G on transcript NM_005732.4 (MANE Select); coding-DNA position 2604, T replaced by G.
Protein change: p.Asn868Lys; replaces asparagine 868 with lysine.
Molecular consequence: missense variant.
Genome position (GRCh38, 1-based): chr5:132,604,885, T>G. VCF-style: chr5-132604885-T-G. GRCh37 (hg19) VCF-style: chr5-131940577-T-G.
Other names: short protein forms N868K.
Identifiers: ClinVar variation 185843 (VCV000185843.16), dbSNP rs786202498, ClinGen allele CA193134.

ClinVar aggregate classification (germline): Uncertain significance. Review status: criteria provided, multiple submitters, no conflicts (2 of 4 stars). 4 submissions from 4 submitters: Uncertain significance (4). Last evaluated 2025-01-06.

Conditions:
Hereditary cancer-predisposing syndrome. Also called: Hereditary neoplastic syndrome; Neoplastic Syndromes, Hereditary; Tumor predisposition; Hereditary Cancer Syndrome. Identifiers: Orphanet 140162, MedGen C0027672, MeSH D009386, MONDO:0015356.
Familial cancer of breast. Also called: BREAST CANCER, FAMILIAL; Hereditary breast cancer; hereditary breast carcinoma. Identifiers: Orphanet 227535, MedGen C0346153, MONDO:0016419, OMIM 114480. Disease mechanism: loss of function.

Allele frequency attached by ClinVar (database versions not stated): TOPMed below 0.00001; gnomAD exomes 0.00001.
gnomAD v4.1: 7 of 1,613,702 alleles (0.00043%); highest among the groups gnomAD compares: Non-Finnish European, 0.00059%; no homozygotes.

Submissions (4):

KCCC/NGS Laboratory, Kuwait Cancer Control Center
Classification: Uncertain significance for Familial cancer of breast. Last evaluated: 2025-01-06. Review status: criteria provided, single submitter. Criteria: ACMG Guidelines, 2015. Collection method: clinical testing. Allele origin: germline. Inheritance: Autosomal dominant inheritance. Affected: yes. Observed: 1 heterozygote.
Comment: This sequence change replaces asparagine, which is neutral and polar, with lysine, which is basic and polar, at codon 868 of the RAD50 protein (p.Asn868Lys).This amino acid position is highly conserved. This variant is not present in population databases (gnomAD no frequency). This missense change has been observed in individual(s) with clinical features of RAD50-related conditions (PMID: 31159747). ClinVar contains an entry for this variant (Variation ID: 185843). In addition, this alteration is predicted to be tolerated by in silico analysis. In summary, the available evidence is currently insufficient to determine the role of this variant in disease. Therefore, it has been classified as a Variant of Uncertain Significance.

Labcorp Genetics (formerly Invitae), Labcorp
Classification: Uncertain significance for Hereditary cancer-predisposing syndrome. Last evaluated: 2023-06-14. Review status: criteria provided, single submitter. Criteria: Invitae Variant Classification Sherloc (09022015). Collection method: clinical testing. Allele origin: germline.
Comment: This sequence change replaces asparagine, which is neutral and polar, with lysine, which is basic and polar, at codon 868 of the RAD50 protein (p.Asn868Lys). This variant is not present in population databases (gnomAD no frequency). This missense change has been observed in individual(s) with clinical features of RAD50-related conditions (PMID: 31159747). ClinVar contains an entry for this variant (Variation ID: 185843). Advanced modeling of protein sequence and biophysical properties (such as structural, functional, and spatial information, amino acid conservation, physicochemical variation, residue mobility, and thermodynamic stability) performed at Invitae indicates that this missense variant is not expected to disrupt RAD50 protein function. In summary, the available evidence is currently insufficient to determine the role of this variant in disease. Therefore, it has been classified as a Variant of Uncertain Significance.

Ambry Genetics
Classification: Uncertain significance for Hereditary cancer-predisposing syndrome. Last evaluated: 2022-06-21. Review status: criteria provided, single submitter. Criteria: Ambry Variant Classification Scheme 2023. Collection method: clinical testing. Allele origin: germline.
Comment: The p.N868K variant (also known as c.2604T>G), located in coding exon 16 of the RAD50 gene, results from a T to G substitution at nucleotide position 2604. The asparagine at codon 868 is replaced by lysine, an amino acid with similar properties. This alteration has been reported in 2/1197 individuals from Greece, Romania, and Turkey undergoing evaluation for inherited cancer predisposition (Tsaousis GN et al. BMC Cancer, 2019 Jun;19:535). This amino acid position is highly conserved in available vertebrate species. In addition, this alteration is predicted to be tolerated by in silico analysis. Since supporting evidence is limited at this time, the clinical significance of this alteration remains unclear.

GeneKor MSA
Classification: Uncertain significance for Hereditary cancer-predisposing syndrome. Last evaluated: 2018-08-01. Review status: criteria provided, single submitter. Criteria: ACMG Guidelines, 2015. Collection method: clinical testing. Allele origin: germline. Affected: yes.

Literature cited by the submitters: PubMed 31159747 (cited by Labcorp Genetics (formerly Invitae), Labcorp and Ambry Genetics).